The following is an entry in ClinVar:

ClinVar aggregate classification (germline): Uncertain significance (1 of 4 stars; one submission).

Conditions:
Juvenile polyposis/hereditary hemorrhagic telangiectasia syndrome (JPHT). Also called: Juvenile Polyposis Syndrome / Hereditary Hemorrhagic Telangiectasia (JPS/HHT); JP/HHT SYNDROME; JUVENILE POLYPOSIS WITH HEREDITARY HEMORRHAGIC TELANGIECTASIA; POLYPOSIS, GENERALIZED JUVENILE, WITH PULMONARY ARTERIOVENOUS MALFORMATION; TELANGIECTASIA, HEREDITARY HEMORRHAGIC, WITH JUVENILE POLYPOSIS COLI. Identifiers: Orphanet 2929, MedGen C1832942, MONDO:0008278, OMIM 175050.

Submission:

All of Us Research Program, National Institutes of Health
Classification: Uncertain significance for Juvenile polyposis/hereditary hemorrhagic telangiectasia syndrome. Last evaluated: 2024-09-27. Review status: criteria provided, single submitter. Criteria: ACMG Guidelines, 2015. Collection method: clinical testing. Allele origin: germline. Inheritance: Autosomal dominant inheritance. Observed: 10 variant alleles, 10 heterozygotes.
Comment: This variant is an insertion of 57 nucleotides between the +2/+3 positions in the splice donor region of intron 10 of the SMAD4 gene. Splice site prediction tools suggest that this variant may have a significant impact on RNA splicing, although this prediction has not been confirmed by RNA studies. This variant has not been reported in individuals affected with juvenile polyposis syndrome in the literature. This variant has been identified in 1/240648 chromosomes in the general population by the Genome Aggregation Database (gnomAD). The available evidence is insufficient to determine the role of this variant in disease conclusively. Therefore, this variant is classified as a Variant of Uncertain Significance.

This study involves interpretation of variants in research participants for the purpose of population health screening. Participant phenotype was not available at the time of variant classification. Additional details can be found in publication PMID: 35346344, PMCID: PMC8962531

NM_005359.6(SMAD4):c.1308+2_1308+3insCTTTGATTTGCGTCAGTGTCATCGACAGATGCAGCAGCAGGCGGCTACTGCACAAGC

Gene: SMAD4 (SMAD family member 4; plus strand). Cytogenetic location: 18q21.2.
Variant type: Insertion.
Coding change: c.1308+2_1308+3insCTTTGATTTGCGTCAGTGTCATCGACAGATGCAGCAGCAGGCGGCTACTGCACAAGC on transcript NM_005359.6 (MANE Select); the canonical splice donor site of the intron after coding-DNA position 1308 through 3 bases into the intron after coding-DNA position 1308, CTTTGATTTGCGTCAGTGTCATCGACAGATGCAGCAGCAGGCGGCTACTGCACAAGC inserted.
Molecular consequence: intron variant.
Genome position: GRCh38: chr18:51,067,189-51,067,190. GRCh37 (hg19): chr18:48,593,559-48,593,560.
Other names: c.1308+2_1308+3insCTTTGATTTGCGTCAGTGTCATCGACAGATGCAGCAGCAGGCGGCTACTGCACAAGC (NM_001407042.1, NM_001407041.1).
Identifiers: ClinVar variation 3069295 (VCV003069295.2), dbSNP rs751395453, ClinGen allele CA629926718.